The following is an entry in ClinVar:

ClinVar aggregate classification (germline): Likely benign (1 of 4 stars; one submission).

Conditions:
Cortical dysplasia-focal epilepsy syndrome (PTHSL1). Also called: Pitt-Hopkins-like syndrome 1. Identifiers: Orphanet 163681, Orphanet 221150, MedGen C2750246, MONDO:0012400, OMIM 610042.

Allele frequency attached by ClinVar (database versions not stated): gnomAD 0.00053 and 0.00068; TOPMed 0.00112; 1000 Genomes Project 0.00220; 1000 Genomes Project 30x 0.00234.

Submission:

Illumina Laboratory Services, Illumina
Classification: Likely benign for Cortical dysplasia-focal epilepsy syndrome. Last evaluated: 2018-01-12. Review status: criteria provided, single submitter. Criteria: ICSL Variant Classification Criteria 13 December 2019. Collection method: clinical testing. Allele origin: germline.
Comment: This variant was observed in the ICSL laboratory as part of a predisposition screen in an ostensibly healthy population. It had not been previously curated by ICSL or reported in the Human Gene Mutation Database (HGMD: prior to June 1st, 2018), and was therefore a candidate for classification through an automated scoring system. Utilizing variant allele frequency, disease prevalence and penetrance estimates, and inheritance mode, an automated score was calculated to assess if this variant is too frequent to cause the disease. Based on the score and internal cut-off values, a variant classified as likely benign is not then subjected to further curation. The score for this variant resulted in a classification of likely benign for this disease.

NM_014141.6(CNTNAP2):c.*3796C>T

Gene: CNTNAP2 (contactin associated protein 2; plus strand). Cytogenetic location: 7q36.1.
Variant type: single nucleotide variant.
Coding change: c.*3796C>T on transcript NM_014141.6 (MANE Select); 3796 bases downstream of the stop codon, C replaced by T.
Molecular consequence: 3 prime UTR variant.
Genome position (GRCh38, 1-based): chr7:148,419,412, C>T. VCF-style: chr7-148419412-C-T. GRCh37 (hg19) VCF-style: chr7-148116504-C-T.
Identifiers: ClinVar variation 359255 (VCV000359255.6), dbSNP rs183556756, ClinGen allele CA10625460.